The following is an entry in ClinVar:

NM_017841.4(SDHAF2):c.261-1G>T

Gene: SDHAF2 (succinate dehydrogenase complex assembly factor 2; plus strand). Cytogenetic location: 11q12.2.
Variant type: single nucleotide variant.
Coding change: c.261-1G>T on transcript NM_017841.4 (MANE Select); the canonical splice acceptor site of the intron before coding-DNA position 261, G replaced by T.
Molecular consequence: splice acceptor variant.
Genome position (GRCh38, 1-based): chr11:61,438,003, G>T. VCF-style: chr11-61438003-G-T. GRCh37 (hg19) VCF-style: chr11-61205475-G-T.
Identifiers: ClinVar variation 2698975 (VCV002698975.3), dbSNP rs772177974, ClinGen allele CA058209.

ClinVar aggregate classification (germline): Likely pathogenic (1 of 4 stars; one submission).

Conditions:
Hereditary pheochromocytoma and paraganglioma. Also called: Hereditary Paraganglioma-Pheochromocytoma Syndromes; Hereditary pheochromocytoma-paraganglioma; Hereditary paragangliomas and pheochromocytomas. Identifiers: Orphanet 29072, MedGen C4274332, MONDO:0017366.

Allele frequency attached by ClinVar (database versions not stated): ExAC 0.00001.

Submission:

Labcorp Genetics (formerly Invitae), Labcorp
Classification: Likely pathogenic for Hereditary pheochromocytoma and paraganglioma. Last evaluated: 2023-11-25. Review status: criteria provided, single submitter. Criteria: Invitae Variant Classification Sherloc (09022015). Collection method: clinical testing. Allele origin: germline.
Comment: This sequence change affects an acceptor splice site in intron 2 of the SDHAF2 gene. It is expected to disrupt RNA splicing. Variants that disrupt the donor or acceptor splice site typically lead to a loss of protein function (PMID: 16199547), and loss-of-function variants in SDHAF2 are known to be pathogenic (PMID: 22241717, 26096992). This variant is not present in population databases (gnomAD no frequency). This variant has not been reported in the literature in individuals affected with SDHAF2-related conditions. Algorithms developed to predict the effect of sequence changes on RNA splicing suggest that this variant may disrupt the consensus splice site. In summary, the currently available evidence indicates that the variant is pathogenic, but additional data are needed to prove that conclusively. Therefore, this variant has been classified as Likely Pathogenic.

Literature cited by the submitters: PubMed 16199547; PubMed 22241717; PubMed 26096992.